The following is an entry in ClinVar:

NM_003283.6(TNNT1):c.401G>A (p.Arg134Lys)

Gene: TNNT1 (troponin T1, slow skeletal type; minus strand). Cytogenetic location: 19q13.42.
Variant type: single nucleotide variant.
Coding change: c.401G>A on transcript NM_003283.6 (MANE Select); coding-DNA position 401, G replaced by A.
Protein change: p.Arg134Lys; replaces arginine 134 with lysine.
Molecular consequence: missense variant.
Genome position (GRCh38, 1-based): chr19:55,138,061, C>T on the plus strand (G>A on the coding strand, the complement: TNNT1 is on the minus strand). VCF-style: chr19-55138061-C-T. GRCh37 (hg19) VCF-style: chr19-55649429-C-T.
Other names: c.401G>A, p.Arg134Lys (NM_001126132.3); c.368G>A, p.Arg123Lys (NM_001126133.3, NM_001291774.2); short protein forms R123K, R134K.
Identifiers: ClinVar variation 2416119 (VCV002416119.8), dbSNP rs2515429949, ClinGen allele CA407434059.

ClinVar aggregate classification (germline): Uncertain significance (1 of 4 stars; one submission).

Conditions:
Nemaline myopathy 5 (NEM5A). Also called: NEMALINE MYOPATHY 5A, AUTOSOMAL RECESSIVE, SEVERE INFANTILE; Nemaline myopathy 5, Amish type; NEMALINE MYOPATHY, AMISH TYPE. Identifiers: Orphanet 98902, MedGen C1854380, MONDO:0011539, OMIM 605355.

Submission:

Labcorp Genetics (formerly Invitae), Labcorp
Classification: Uncertain significance for Nemaline myopathy 5. Last evaluated: 2022-05-17. Review status: criteria provided, single submitter. Criteria: Invitae Variant Classification Sherloc (09022015). Collection method: clinical testing. Allele origin: germline.
Comment: In summary, the available evidence is currently insufficient to determine the role of this variant in disease. Therefore, it has been classified as a Variant of Uncertain Significance. Algorithms developed to predict the effect of missense changes on protein structure and function are either unavailable or do not agree on the potential impact of this missense change (SIFT: "Tolerated"; PolyPhen-2: "Possibly Damaging"; Align-GVGD: "Class C0"). This variant has not been reported in the literature in individuals affected with TNNT1-related conditions. This variant is not present in population databases (gnomAD no frequency). This sequence change replaces arginine, which is basic and polar, with lysine, which is basic and polar, at codon 134 of the TNNT1 protein (p.Arg134Lys).